The following is an entry in ClinVar:

ClinVar aggregate classification (germline): Likely benign (1 of 4 stars; one submission).

Submission:

CeGaT Center for Human Genetics Tuebingen
Classification: Likely benign. Last evaluated: 2025-06-01. Review status: criteria provided, single submitter. Criteria: CeGaT Center For Human Genetics Tuebingen Variant Classification Criteria Version 2. Collection method: clinical testing. Allele origin: germline. Affected: yes. Observed: 1 variant allele.
Comment: TRIP12: PM2:Supporting, BP4, BP7

NM_001348323.3(TRIP12):c.1854A>C (p.Leu618=)

Gene: TRIP12 (thyroid hormone receptor interactor 12; minus strand). Cytogenetic location: 2q36.3.
Variant type: single nucleotide variant.
Coding change: c.1854A>C on transcript NM_001348323.3 (MANE Select); coding-DNA position 1854, A replaced by C.
Protein change: p.Leu618=; no amino-acid change (leucine 618 retained).
Molecular consequence: synonymous variant.
Genome position (GRCh38, 1-based): chr2:229,814,002, T>G on the plus strand (A>C on the coding strand, the complement: TRIP12 is on the minus strand). VCF-style: chr2-229814002-T-G. GRCh37 (hg19) VCF-style: chr2-230678718-T-G.
Other names: c.1854A>C, p.Leu618= (NM_001284214.2, NM_001348315.2, NM_001348319.1 and 11 more transcripts); c.1728A>C, p.Leu576= (NM_001284215.2, NM_001348316.2, NM_001348317.1 and 2 more transcripts); c.819A>C, p.Leu273= (NM_001284216.2); c.1767A>C, p.Leu589= (NM_001348332.1); c.1710A>C, p.Leu570= (NM_004238.3).
Identifiers: ClinVar variation 3906015 (VCV003906015.10).
Genomic context (GRCh38, chr2:229,814,002, plus strand): 5'-CTGGCAGCAATTAGCTGCAATTGCTAATGCATTTCTTTGGGCATTTATGCTGAAGAATTC[T>G]AGGTACAGCAAGCAGTCTGCCAAACCACCCTAAAATATAGAAAACTGTTAAGGTAAAGAA-3'
Protein context (NP_001335252.1, residues 608-628): AGGLADCLLY[Leu618=]EFFSINAQRN